The following is an entry in ClinVar:

NM_015335.5(MED13L):c.5051C>T (p.Pro1684Leu)

Gene: MED13L (mediator complex subunit 13L; minus strand). Cytogenetic location: 12q24.21.
Variant type: single nucleotide variant.
Coding change: c.5051C>T on transcript NM_015335.5 (MANE Select); coding-DNA position 5051, C replaced by T.
Protein change: p.Pro1684Leu; replaces proline 1684 with leucine.
Molecular consequence: missense variant.
Genome position (GRCh38, 1-based): chr12:115,982,508, G>A on the plus strand (C>T on the coding strand, the complement: MED13L is on the minus strand). VCF-style: chr12-115982508-G-A. GRCh37 (hg19) VCF-style: chr12-116420313-G-A.
Other names: short protein forms P1684L.
Identifiers: ClinVar variation 2172758 (VCV002172758.4), dbSNP rs907555134, ClinGen allele CA244141310.

ClinVar aggregate classification (germline): Uncertain significance (1 of 4 stars; one submission).

Conditions:
Dextro-looped transposition of the great arteries. Also called: Dextrotransposition of the great arteries. Identifiers: Orphanet 860, MedGen C3531771, MONDO:0019443, OMIM 608808, HP:0031348.

Allele frequency attached by ClinVar (database versions not stated): gnomAD exomes below 0.00001; TOPMed 0.00001.
gnomAD v4.1: 3 of 1,614,126 alleles (0.00019%); highest among the groups gnomAD compares: East Asian, 0.0022%; no homozygotes.

Submission:

Labcorp Genetics (formerly Invitae), Labcorp
Classification: Uncertain significance for Dextro-looped transposition of the great arteries. Last evaluated: 2022-06-09. Review status: criteria provided, single submitter. Criteria: Invitae Variant Classification Sherloc (09022015). Collection method: clinical testing. Allele origin: germline.
Comment: This variant has not been reported in the literature in individuals affected with MED13L-related conditions. In summary, the available evidence is currently insufficient to determine the role of this variant in disease. Therefore, it has been classified as a Variant of Uncertain Significance. Advanced modeling of protein sequence and biophysical properties (such as structural, functional, and spatial information, amino acid conservation, physicochemical variation, residue mobility, and thermodynamic stability) performed at Invitae indicates that this missense variant is expected to disrupt MED13L protein function. This variant is present in population databases (no rsID available, gnomAD 0.003%). This sequence change replaces proline, which is neutral and non-polar, with leucine, which is neutral and non-polar, at codon 1684 of the MED13L protein (p.Pro1684Leu).